The following is an entry in ClinVar:

ClinVar aggregate classification (germline): Uncertain significance (0 of 4 stars; one submission).

Conditions:
XYLT2-related disorder. Also called: XYLT2-related condition.

gnomAD v4.1: 58 of 1,614,144 alleles (0.0036%); highest among the groups gnomAD compares: Non-Finnish European, 0.0035%; no homozygotes.

Submission:

PreventionGenetics, part of Exact Sciences
Classification: Uncertain significance for XYLT2-related condition. Last evaluated: 2024-07-12. Review status: no assertion criteria provided. Collection method: clinical testing. Allele origin: germline.
Comment: The XYLT2 c.2189G>A variant is predicted to result in the amino acid substitution p.Arg730Gln. To our knowledge, this variant has not been reported in the literature. This variant is reported in 0.0088% of alleles in individuals of European (Non-Finnish) descent in gnomAD. At this time, the clinical significance of this variant is uncertain due to the absence of conclusive functional and genetic evidence.

NM_022167.4(XYLT2):c.2189G>A (p.Arg730Gln)

Gene: XYLT2 (xylosyltransferase 2; plus strand). Cytogenetic location: 17q21.33.
Variant type: single nucleotide variant.
Coding change: c.2189G>A on transcript NM_022167.4 (MANE Select); coding-DNA position 2189, G replaced by A.
Protein change: p.Arg730Gln; replaces arginine 730 with glutamine.
Molecular consequence: missense variant.
Genome position (GRCh38, 1-based): chr17:50,358,454, G>A. VCF-style: chr17-50358454-G-A. GRCh37 (hg19) VCF-style: chr17-48435815-G-A.
Other names: short protein forms R730Q.
Identifiers: ClinVar variation 3358633 (VCV003358633.1).